The following is an entry in ClinVar:

ClinVar aggregate classification (germline): Uncertain significance. Review status: criteria provided, multiple submitters, no conflicts (2 of 4 stars). 3 submissions from 3 submitters: Uncertain significance (3). Last evaluated 2026-06-22.

Conditions:
Autoimmune lymphoproliferative syndrome type 2A (ALPS2A). Also called: CASP10-Related Autoimmune Lymphoproliferative Syndrome; AUTOIMMUNE LYMPHOPROLIFERATIVE SYNDROME, TYPE IIA; Autoimmune lymphoproliferative syndrome type 2. Identifiers: Orphanet 3261, MedGen C1858968, MONDO:0011383, OMIM 603909.
CASP10-related disorder. Also called: CASP10-related condition.

Allele frequency attached by ClinVar (database versions not stated): gnomAD 0.00001; ExAC 0.00002; gnomAD exomes 0.00002; TOPMed 0.00002.

Submissions (3):

PreventionGenetics, part of Exact Sciences
Classification: Uncertain significance for CASP10-related condition. Last evaluated: 2026-06-22. Review status: criteria provided, single submitter. Criteria: ACMG Guidelines, 2015. Collection method: clinical testing. Allele origin: germline.
Comment: The CASP10 c.910C>T variant is predicted to result in the amino acid substitution p.His304Tyr. To our knowledge, this variant has not been reported in the literature. This variant is reported in 0.0047% of alleles in individuals of European (Non-Finnish) descent in gnomAD. At this time, the clinical significance of this variant is uncertain due to the absence of conclusive functional and genetic evidence.

Ambry Genetics
Classification: Uncertain significance. Last evaluated: 2025-06-24. Review status: criteria provided, single submitter. Criteria: Ambry Variant Classification Scheme 2023. Collection method: clinical testing. Allele origin: germline.

Labcorp Genetics (formerly Invitae), Labcorp
Classification: Uncertain significance for Autoimmune lymphoproliferative syndrome type 2A. Last evaluated: 2019-12-01. Review status: criteria provided, single submitter. Criteria: Invitae Variant Classification Sherloc (09022015). Collection method: clinical testing. Allele origin: germline.
Comment: In summary, the available evidence is currently insufficient to determine the role of this variant in disease. Therefore, it has been classified as a Variant of Uncertain Significance. Algorithms developed to predict the effect of missense changes on protein structure and function (SIFT, PolyPhen-2, Align-GVGD) all suggest that this variant is likely to be tolerated, but these predictions have not been confirmed by published functional studies and their clinical significance is uncertain. This variant has not been reported in the literature in individuals with CASP10-related disease. This variant is present in population databases (rs748988477, ExAC 0.003%). This sequence change replaces histidine with tyrosine at codon 304 of the CASP10 protein (p.His304Tyr). The histidine residue is weakly conserved and there is a moderate physicochemical difference between histidine and tyrosine.

NM_032977.4(CASP10):c.910C>T (p.His304Tyr)

Gene: CASP10 (caspase 10; plus strand). Cytogenetic location: 2q33.1.
Variant type: single nucleotide variant.
Coding change: c.910C>T on transcript NM_032977.4 (MANE Select); coding-DNA position 910, C replaced by T.
Protein change: p.His304Tyr; replaces histidine 304 with tyrosine.
Molecular consequence: missense variant. On other transcripts: intron variant (1).
Genome position (GRCh38, 1-based): chr2:201,208,171, C>T. VCF-style: chr2-201208171-C-T. GRCh37 (hg19) VCF-style: chr2-202072894-C-T.
Other names: c.781C>T, p.His261Tyr (NM_001206542.2, NM_001230.5); c.910C>T, p.His304Tyr (NM_032974.5); c.818C>T, p.Pro273Leu (NM_032976.4); c.722-899C>T (NM_001206524.2); short protein forms P273L, H261Y, H304Y.
Identifiers: ClinVar variation 661762 (VCV000661762.15), dbSNP rs748988477, ClinGen allele CA2053092.